The following is an entry in ClinVar:

ClinVar aggregate classification (germline): Benign/Likely benign. Review status: criteria provided, multiple submitters, no conflicts (2 of 4 stars). 6 submissions from 6 submitters: Benign (3); Likely benign (2). 1 of the submissions does not count toward it. Last evaluated 2024-09-24.

Conditions:
Inborn genetic diseases. Identifiers: MedGen C0950123, MeSH D030342.
Bainbridge-Ropers syndrome. Also called: Severe feeding difficulties-failure to thrive-microcephaly due to ASXL3 deficiency syndrome. Identifiers: Orphanet 352577, MedGen C4750837, MONDO:0014205, OMIM 615485.
ASXL3-related disorder. Also called: ASXL3-related condition. Identifiers: MedGen CN381524.

Allele frequency attached by ClinVar (database versions not stated): ExAC 0.00067; 1000 Genomes Project 30x 0.00203; 1000 Genomes Project 0.00160; gnomAD exomes 0.00020 and 0.00057; TOPMed 0.00226; gnomAD 0.00204 and 0.00217; ESP Exome Variant Server 0.00210.
gnomAD v4.1: 630 of 1,614,024 alleles (0.039%); highest among the groups gnomAD compares: African/African-American, 0.71%; 5 homozygotes.

Submissions (6):

Blueprint Genetics
Classification: Likely benign. Last evaluated: 2024-09-24. Review status: criteria provided, single submitter. Criteria: ACMG Guidelines, 2015. Collection method: clinical testing. Allele origin: germline.

Ambry Genetics
Classification: Likely benign for Inborn genetic diseases. Last evaluated: 2023-05-04. Review status: criteria provided, single submitter. Criteria: Ambry Variant Classification Scheme 2023. Collection method: clinical testing. Allele origin: germline.

Genome-Nilou Lab
Classification: Benign for Bainbridge-Ropers syndrome. Last evaluated: 2021-12-05. Review status: criteria provided, single submitter. Criteria: ACMG Guidelines, 2015. Collection method: clinical testing. Allele origin: germline. Affected: no.

GeneDx
Classification: Benign. Last evaluated: 2019-08-22. Review status: criteria provided, single submitter. Criteria: GeneDx Variant Classification (06012015). Collection method: clinical testing. Allele origin: germline. Affected: yes.

Center for Pediatric Genomic Medicine, Children's Mercy Hospital and Clinics
Classification: Benign. Last evaluated: 2016-06-14. Review status: criteria provided, single submitter. Criteria: ACMG Guidelines, 2015. Collection method: clinical testing. Allele origin: germline.

PreventionGenetics, part of Exact Sciences
Classification: Benign for ASXL3-related condition. Last evaluated: 2019-05-03. Review status: no assertion criteria provided. Collection method: clinical testing. Allele origin: germline. Not counted in ClinVar's aggregate classification.
Comment: This variant is classified as benign based on ACMG/AMP sequence variant interpretation guidelines (Richards et al. 2015 PMID: 25741868, with internal and published modifications).

NM_030632.3(ASXL3):c.5002G>A (p.Val1668Met)

Gene: ASXL3 (ASXL transcriptional regulator 3; plus strand). Cytogenetic location: 18q12.1.
Variant type: single nucleotide variant.
Coding change: c.5002G>A on transcript NM_030632.3 (MANE Select); coding-DNA position 5002, G replaced by A.
Protein change: p.Val1668Met; replaces valine 1668 with methionine.
Molecular consequence: missense variant.
Genome position (GRCh38, 1-based): chr18:33,744,850, G>A. VCF-style: chr18-33744850-G-A. GRCh37 (hg19) VCF-style: chr18-31324814-G-A.
Other names: c.5002G>A (NM_030632.2); short protein forms V1668M.
Identifiers: ClinVar variation 377349 (VCV000377349.9), dbSNP rs143578678, ClinGen allele CA8934366.